The following is an entry in ClinVar:

NM_000642.3(AGL):c.1910C>T (p.Ala637Val)

Gene: AGL (amylo-alpha-1,6-glucosidase and 4-alpha-glucanotransferase; plus strand). Cytogenetic location: 1p21.2.
Variant type: single nucleotide variant.
Coding change: c.1910C>T on transcript NM_000642.3 (MANE Select); coding-DNA position 1910, C replaced by T.
Protein change: p.Ala637Val; replaces alanine 637 with valine.
Molecular consequence: missense variant.
Genome position (GRCh38, 1-based): chr1:99,881,086, C>T. VCF-style: chr1-99881086-C-T. GRCh37 (hg19) VCF-style: chr1-100346642-C-T.
Other names: c.1862C>T, p.Ala621Val (NM_000646.3); c.1910C>T, p.Ala637Val (NM_001425325.1, NM_001425326.1, NM_000028.3 and 2 more transcripts); c.1709C>T, p.Ala570Val (NM_001425327.1); c.1706C>T, p.Ala569Val (NM_001425328.1, NM_001425329.1); c.1532C>T, p.Ala511Val (NM_001425332.1); short protein forms A637V, A621V, A511V, A569V, A570V.
Identifiers: ClinVar variation 1512517 (VCV001512517.4), dbSNP rs1488937187, ClinGen allele CA341317863.

ClinVar aggregate classification (germline): Uncertain significance (1 of 4 stars; one submission).

Conditions:
Glycogen storage disease type III (GSD3). Also called: FORBES DISEASE; Cori disease. Identifiers: Orphanet 366, MedGen C0017922, MONDO:0009291, OMIM 232400.

Allele frequency attached by ClinVar (database versions not stated): gnomAD exomes below 0.00001; gnomAD 0.00001; TOPMed 0.00002.
gnomAD v4.1: 4 of 1,613,244 alleles (0.00025%); highest among the groups gnomAD compares: Non-Finnish European, 0.00017%; no homozygotes.

Submission:

Labcorp Genetics (formerly Invitae), Labcorp
Classification: Uncertain significance for Glycogen storage disease type III. Last evaluated: 2023-08-10. Review status: criteria provided, single submitter. Criteria: Invitae Variant Classification Sherloc (09022015). Collection method: clinical testing. Allele origin: germline.
Comment: This sequence change replaces alanine, which is neutral and non-polar, with valine, which is neutral and non-polar, at codon 637 of the AGL protein (p.Ala637Val). This variant is not present in population databases (gnomAD no frequency). This variant has not been reported in the literature in individuals affected with AGL-related conditions. ClinVar contains an entry for this variant (Variation ID: 1512517). Advanced modeling of protein sequence and biophysical properties (such as structural, functional, and spatial information, amino acid conservation, physicochemical variation, residue mobility, and thermodynamic stability) performed at Invitae indicates that this missense variant is not expected to disrupt AGL protein function. In summary, the available evidence is currently insufficient to determine the role of this variant in disease. Therefore, it has been classified as a Variant of Uncertain Significance.